The following is an entry in ClinVar:

ClinVar aggregate classification (germline): Conflicting classifications of pathogenicity. Review status: criteria provided, conflicting classifications (1 of 4 stars). 3 submissions from 3 submitters: Uncertain significance (2); Likely benign (1). Last evaluated 2024-12-02.

Conditions:
Motor delay. Also called: Motor Developmental Delay; Motor retardation. Identifiers: MedGen C1854301, HP:0001270.
Delayed speech and language development. Also called: Language delay. Identifiers: MedGen C0454644, HP:0000750.
Cerebellar hemisphere hypoplasia. Identifiers: MedGen C4022154, HP:0100307.
Isolated cerebellar hypoplasia/agenesis (CHEGDD). Also called: Cerebellar hypoplasia/atrophy, epilepsy, and global developmental delay. Identifiers: Orphanet 1398, Orphanet 2246, MedGen C5231391, MONDO:0008939, OMIM 213000.
Joubert syndrome. Also called: Familial aplasia of the vermis; JOUBERT-BOLTSHAUSER SYNDROME. Identifiers: Orphanet 475, MedGen C5979921, MONDO:0018772.
Congenital sensorineural hearing impairment. Identifiers: MedGen C1865866, HP:0008527.
Hypoplasia of the brainstem. Identifiers: MedGen C1842688, HP:0002365.
Amblyopia. Identifiers: MedGen C0002418, MONDO:0001020, HP:0000646.

Allele frequency attached by ClinVar (database versions not stated): gnomAD exomes below 0.00001 and 0.00001; TOPMed 0.00001.
gnomAD v4.1: 8 of 1,614,180 alleles (0.0005%); highest among the groups gnomAD compares: Admixed American, 0.0017%; no homozygotes.

Submissions (3):

Labcorp Genetics (formerly Invitae), Labcorp
Classification: Uncertain significance. Last evaluated: 2024-12-02. Review status: criteria provided, single submitter. Criteria: Invitae Variant Classification Sherloc (09022015). Collection method: clinical testing. Allele origin: germline.
Comment: This sequence change replaces glutamine, which is neutral and polar, with arginine, which is basic and polar, at codon 4676 of the USH2A protein (p.Gln4676Arg). This variant is present in population databases (rs397517987, gnomAD 0.003%). This variant has not been reported in the literature in individuals affected with USH2A-related conditions. ClinVar contains an entry for this variant (Variation ID: 48425). Invitae Evidence Modeling of protein sequence and biophysical properties (such as structural, functional, and spatial information, amino acid conservation, physicochemical variation, residue mobility, and thermodynamic stability) indicates that this missense variant is not expected to disrupt USH2A protein function with a negative predictive value of 95%. In summary, the available evidence is currently insufficient to determine the role of this variant in disease. Therefore, it has been classified as a Variant of Uncertain Significance.

Centre for Mendelian Genomics, University Medical Centre Ljubljana
Classification: Uncertain significance for Agenesis of cerebellar vermis; Amblyopia; Cerebellar hemisphere hypoplasia; Cerebellar hypoplasia; Congenital sensorineural hearing impairment; Delayed speech and language development; Hypoplasia of the brainstem; Motor delay. Last evaluated: 2017-01-01. Review status: criteria provided, single submitter. Criteria: ACMG Guidelines, 2015. Collection method: clinical testing. Allele origin: unknown. Affected: yes.

Laboratory for Molecular Medicine, Mass General Brigham Personalized Medicine
Classification: Likely benign. Last evaluated: 2012-05-15. Review status: criteria provided, single submitter. Criteria: LMM Criteria. Collection method: clinical testing. Allele origin: germline. Observed: 2 variant alleles.
Comment: The Gln4676Arg variant (USH2A) has not been reported in the literature nor previ ously identified by our laboratory. However, computational analyses (biochemical amino acid properties, homology, PolyPhen2, SIFT, AlignGVGD) do not suggest a h igh likelihood of impact to the protein. Of note, chicken and frogs have Arginin e (Arg) at this position. In summary, the lack of conservation suggests that thi s variant is likely benign.

NM_206933.4(USH2A):c.14027A>G (p.Gln4676Arg)

Gene: USH2A (usherin; minus strand). Cytogenetic location: 1q41.
Variant type: single nucleotide variant.
Coding change: c.14027A>G on transcript NM_206933.4 (MANE Select); coding-DNA position 14027, A replaced by G.
Protein change: p.Gln4676Arg; replaces glutamine 4676 with arginine.
Molecular consequence: missense variant.
Genome position (GRCh38, 1-based): chr1:215,671,078, T>C on the plus strand (A>G on the coding strand, the complement: USH2A is on the minus strand). VCF-style: chr1-215671078-T-C. GRCh37 (hg19) VCF-style: chr1-215844420-T-C.
Other names: short protein forms Q4676R.
Identifiers: ClinVar variation 48425 (VCV000048425.10), dbSNP rs397517987, ClinGen allele CA143332.